The following is an entry in ClinVar:

ClinVar aggregate classification (germline): Uncertain significance (1 of 4 stars; one submission).

Conditions:
TNFRSF1A-related disorder. Also called: TNFRSF1A-related condition.

gnomAD v4.1: 2 of 1,613,916 alleles (0.00012%); highest among the groups gnomAD compares: African/African-American, 0.0027%; no homozygotes.

Submission:

PreventionGenetics, part of Exact Sciences
Classification: Uncertain significance for TNFRSF1A-related condition. Last evaluated: 2025-09-09. Review status: criteria provided, single submitter. Criteria: ACMG Guidelines, 2015. Collection method: clinical testing. Allele origin: germline.
Comment: The TNFRSF1A c.757C>A variant is predicted to result in the amino acid substitution p.Pro253Thr. To our knowledge, this variant has not been reported in the literature. This variant is reported in 0.012% of alleles in individuals of African descent in gnomAD. At this time, the clinical significance of this variant is uncertain due to the absence of conclusive functional and genetic evidence.

NM_001065.4(TNFRSF1A):c.757C>A (p.Pro253Thr)

Genes: TNFRSF1A (TNF receptor superfamily member 1A; minus strand), LOC130007232 (ATAC-STARR-seq lymphoblastoid active region 5847; plus strand). Cytogenetic location: 12p13.31.
Variant type: single nucleotide variant.
Coding change: c.757C>A on transcript NM_001065.4 (MANE Select); coding-DNA position 757, C replaced by A.
Protein change: p.Pro253Thr; replaces proline 253 with threonine.
Molecular consequence: missense variant. On other transcripts: non-coding transcript variant (1).
Genome position (GRCh38, 1-based): chr12:6,330,278, G>T on the plus strand (C>A on the coding strand, the complement: TNFRSF1A is on the minus strand). VCF-style: chr12-6330278-G-T. GRCh37 (hg19) VCF-style: chr12-6439444-G-T.
Other names: c.433C>A, p.Pro145Thr (NM_001346091.2); c.298C>A, p.Pro100Thr (NM_001346092.2); short protein forms P253T, P100T, P145T.
Identifiers: ClinVar variation 4991540 (VCV004991540.1).
Genomic context (GRCh38, chr12:6,330,278, plus strand): 5'-TAAGGAATGGTCAGGGACATTTGGGAGTAACTCTCTCATTTCATCTCACCTCTTTTTCAG[G>T]TGTCGATTTCCCACAAACTGAGGAAAAAGAAAGAAAGCATCATAAATTTCACTTCCTCTC-3'
Protein context (NP_001056.1, residues 243-263): LYSIVCGKST[Pro253Thr]EKEGELEGTT